The following is an entry in ClinVar:

NM_001290321.3(DMXL1):c.921A>G (p.Gln307=)

Gene: DMXL1 (Dmx like 1; plus strand). Cytogenetic location: 5q23.1.
Variant type: single nucleotide variant.
Coding change: c.921A>G on transcript NM_001290321.3 (MANE Select); coding-DNA position 921, A replaced by G.
Protein change: p.Gln307=; no amino-acid change (glutamine 307 retained).
Molecular consequence: synonymous variant. On other transcripts: non-coding transcript variant (3).
Genome position (GRCh38, 1-based): chr5:119,118,992, A>G. VCF-style: chr5-119118992-A-G. GRCh37 (hg19) VCF-style: chr5-118454687-A-G.
Other names: c.921A>G, p.Gln307= (NM_001349239.2, NM_001349240.2, NM_001387933.1 and 4 more transcripts).
Identifiers: ClinVar variation 3057864 (VCV003057864.2), dbSNP rs777942863, ClinGen allele CA3379259.
Genomic context (GRCh38, chr5:119,118,992, plus strand): 5'-TGAATCAATTAATTTAACAAATAACTTCAAGAGAAATGCTTCCAGTAAAGAACGAGTTCA[A>G]AATGCTTTAGAAGTGAGTGTTTTTGTTACATTACTTACTACAAGTTTTAAAACCTTTGGT-3'
Protein context (NP_001277250.1, residues 297-317): KRNASSKERV[Gln307=]NALEVNLRHF

ClinVar aggregate classification (germline): Likely benign (0 of 4 stars; one submission).

Conditions:
DMXL1-related disorder. Also called: DMXL1-related condition.

Allele frequency attached by ClinVar (database versions not stated): gnomAD exomes below 0.00001; ExAC 0.00001; TOPMed 0.00001.
gnomAD v4.1: 7 of 1,611,294 alleles (0.00043%); highest among the groups gnomAD compares: Middle Eastern, 0.066%; no homozygotes.

Submission:

PreventionGenetics, part of Exact Sciences
Classification: Likely benign for DMXL1-related condition. Last evaluated: 2019-03-20. Review status: no assertion criteria provided. Collection method: clinical testing. Allele origin: germline.
Comment: This variant is classified as likely benign based on ACMG/AMP sequence variant interpretation guidelines (Richards et al. 2015 PMID: 25741868, with internal and published modifications).